The following is an entry in ClinVar:

NM_001009999.3(KDM1A):c.954A>C (p.Gln318His)

Gene: KDM1A (lysine demethylase 1A; plus strand). Cytogenetic location: 1p36.12.
Variant type: single nucleotide variant.
Coding change: c.954A>C on transcript NM_001009999.3 (MANE Select); coding-DNA position 954, A replaced by C.
Protein change: p.Gln318His; replaces glutamine 318 with histidine.
Molecular consequence: missense variant.
Genome position (GRCh38, 1-based): chr1:23,056,002, A>C. VCF-style: chr1-23056002-A-C. GRCh37 (hg19) VCF-style: chr1-23382495-A-C.
Other names: c.894A>C, p.Gln298His (NM_001363654.2, NM_001410763.1, NM_015013.4); c.954A>C, p.Gln318His (NM_001410762.1); short protein forms Q298H, Q318H.
Identifiers: ClinVar variation 5023092 (VCV005023092.1).

ClinVar aggregate classification (germline): Uncertain significance (1 of 4 stars; one submission).

Conditions:
Inborn genetic diseases. Identifiers: MedGen C0950123, MeSH D030342.

Submission:

Ambry Genetics
Classification: Uncertain significance for Inborn genetic diseases. Last evaluated: 2026-08-15. Review status: criteria provided, single submitter. Criteria: Ambry Variant Classification Scheme 2023. Collection method: clinical testing. Allele origin: germline.
Comment: The p.Q318H variant (also known as c.954A>C), located in coding exon 7 of the KDM1A gene, results from an A to C substitution at nucleotide position 954. The glutamine at codon 318 is replaced by histidine, an amino acid with highly similar properties. This amino acid position is conserved. In addition, this alteration is predicted to be deleterious by in silico analysis. Based on the available evidence, the clinical significance of this variant remains unclear.